The following is an entry in ClinVar:

ClinVar aggregate classification (germline): Pathogenic (1 of 4 stars; one submission).

Conditions:
Idiopathic Pulmonary Fibrosis. Also called: Idiopathic fibrosing alveolitis, chronic form; idiopathic fibrosing alveolitis. Identifiers: Orphanet 2032, MedGen C1800706, MeSH D054990, MONDO:0800504.
Dyskeratosis congenita, autosomal dominant 2. Identifiers: MedGen C3151443, MONDO:0013521, OMIM 613989.

Submission:

Labcorp Genetics (formerly Invitae), Labcorp
Classification: Pathogenic for Dyskeratosis congenita, autosomal dominant 2; Idiopathic Pulmonary Fibrosis. Last evaluated: 2022-08-25. Review status: criteria provided, single submitter. Criteria: Invitae Variant Classification Sherloc (09022015). Collection method: clinical testing. Allele origin: germline.
Comment: This variant results in the deletion of part of exon 3 (c.1574-1127_1710delinsTCCGGTAGAAAAG) of the TERT gene. It is expected to disrupt RNA splicing. Variants that disrupt the donor or acceptor splice site typically lead to a loss of protein function (PMID: 16199547), and loss-of-function variants in TERT are known to be pathogenic (PMID: 16247010, 17460043). This variant has not been reported in the literature in individuals affected with TERT-related conditions. This variant disrupts a region of the TERT protein in which other variant(s) (p.Thr567Met) have been determined to be pathogenic (PMID: 23538340; Invitae). This suggests that this is a clinically significant region of the protein, and that variants that disrupt it are likely to be disease-causing. For these reasons, this variant has been classified as Pathogenic.

Literature cited by the submitters: PubMed 16199547; PubMed 16247010; PubMed 17460043; PubMed 23538340.

NC_000005.9:g.(?_1282603)_(1283866_?)del

Gene: TERT (telomerase reverse transcriptase; minus strand). Cytogenetic location: 5p15.33.
Variant type: Deletion.
Identifiers: ClinVar variation 2427643 (VCV002427643.3).